The following is an entry in ClinVar:

NM_001376.5(DYNC1H1):c.6339G>A (p.Arg2113=)

Gene: DYNC1H1 (dynein cytoplasmic 1 heavy chain 1; plus strand). Cytogenetic location: 14q32.31.
Variant type: single nucleotide variant.
Coding change: c.6339G>A on transcript NM_001376.5 (MANE Select); coding-DNA position 6339, G replaced by A.
Protein change: p.Arg2113=; no amino-acid change (arginine 2113 retained).
Molecular consequence: synonymous variant.
Genome position (GRCh38, 1-based): chr14:102,010,393, G>A. VCF-style: chr14-102010393-G-A. GRCh37 (hg19) VCF-style: chr14-102476730-G-A.
Other names: p.Arg2113=.
Identifiers: ClinVar variation 312635 (VCV000312635.22), dbSNP rs776544497, ClinGen allele CA7352595.

ClinVar aggregate classification (germline): Conflicting classifications of pathogenicity. Review status: criteria provided, conflicting classifications (1 of 4 stars). 7 submissions from 6 submitters: Uncertain significance (2); Benign (1); Likely benign (3). 1 of the submissions does not count toward it. Last evaluated 2026-06-18.

Conditions:
Autosomal dominant cerebellar ataxia. Also called: Spinocerebellar Ataxia, Dominant. Identifiers: Orphanet 99, MedGen C4087347, MONDO:0020380.
DYNC1H1-related disorder. Also called: DYNC1H1-related disorders; DYNC1H1-related condition. Identifiers: MedGen CN381529.
Charcot-Marie-Tooth disease axonal type 2O. Also called: Charcot-Marie-Tooth Neuropathy Type 2O; CHARCOT-MARIE-TOOTH NEUROPATHY, AXONAL, TYPE 2O; CHARCOT-MARIE-TOOTH DISEASE, AXONAL, AUTOSOMAL DOMINANT, TYPE 2O; Charcot-Marie-Tooth disease, axonal, type 20. Identifiers: Orphanet 284232, MedGen C3280220, MONDO:0013644, OMIM 614228.

Allele frequency attached by ClinVar (database versions not stated): TOPMed 0.00002; ExAC 0.00003; gnomAD exomes 0.00004; gnomAD 0.00002.
gnomAD v4.1: 65 of 1,614,040 alleles (0.004%); highest among the groups gnomAD compares: Non-Finnish European, 0.0052%; no homozygotes.

Submissions (7):

Women's Health and Genetics/Laboratory Corporation of America, LabCorp
Classification: Benign. Last evaluated: 2026-06-18. Review status: criteria provided, single submitter. Criteria: LabCorp Variant Classification Summary - May 2015. Collection method: clinical testing. Allele origin: germline.

Labcorp Genetics (formerly Invitae), Labcorp
Classification: Likely benign for Charcot-Marie-Tooth disease axonal type 2O. Last evaluated: 2025-12-30. Review status: criteria provided, single submitter. Criteria: Invitae Variant Classification Sherloc (09022015). Collection method: clinical testing. Allele origin: germline.

Mayo Clinic Laboratories, Mayo Clinic
Classification: Likely benign. Last evaluated: 2024-07-09. Review status: criteria provided, single submitter. Criteria: ACMG Guidelines, 2015. Collection method: clinical testing. Allele origin: germline. Observed: 3 variant alleles.

GeneDx
Classification: Likely benign. Last evaluated: 2019-10-14. Review status: criteria provided, single submitter. Criteria: GeneDx Variant Classification Process June 2021. Collection method: clinical testing. Allele origin: germline. Affected: yes.

Illumina Laboratory Services, Illumina
Classification: Uncertain significance for Charcot-Marie-Tooth disease axonal type 2O. Last evaluated: 2018-01-13. Review status: criteria provided, single submitter. Criteria: ICSL Variant Classification Criteria 13 December 2019. Collection method: clinical testing. Allele origin: germline.

Illumina Laboratory Services, Illumina
Classification: Uncertain significance for Spinocerebellar Ataxia, Dominant. Last evaluated: 2018-01-13. Review status: criteria provided, single submitter. Criteria: ICSL Variant Classification Criteria 13 December 2019. Collection method: clinical testing. Allele origin: germline.

PreventionGenetics, part of Exact Sciences
Classification: Likely benign for DYNC1H1-related condition. Last evaluated: 2022-04-11. Review status: no assertion criteria provided. Collection method: clinical testing. Allele origin: germline. Not counted in ClinVar's aggregate classification.
Comment: This variant is classified as likely benign based on ACMG/AMP sequence variant interpretation guidelines (Richards et al. 2015 PMID: 25741868, with internal and published modifications).